The following is an entry in ClinVar:

ClinVar aggregate classification (germline): Uncertain significance. Review status: criteria provided, multiple submitters, no conflicts (2 of 4 stars). 2 submissions from 2 submitters: Uncertain significance (2). Last evaluated 2024-04-04.

Conditions:
Familial adenomatous polyposis 1 (FAP1). Also called: POLYPOSIS, ADENOMATOUS INTESTINAL; FAMILIAL ADENOMATOUS POLYPOSIS 1, ATTENUATED. Identifiers: MedGen C2713442, MONDO:0021056, OMIM 175100. Disease mechanism: loss of function.
Hereditary cancer-predisposing syndrome. Also called: Neoplastic Syndromes, Hereditary; Hereditary Cancer Syndrome; Tumor predisposition; Hereditary neoplastic syndrome. Identifiers: Orphanet 140162, MedGen C0027672, MeSH D009386, MONDO:0015356.

Submissions (2):

Ambry Genetics
Classification: Uncertain significance for Hereditary cancer-predisposing syndrome. Last evaluated: 2024-04-04. Review status: criteria provided, single submitter. Criteria: Ambry Variant Classification Scheme 2023. Collection method: clinical testing. Allele origin: germline.
Comment: The p.G1357A variant (also known as c.4070G>C), located in coding exon 15 of the APC gene, results from a G to C substitution at nucleotide position 4070. The glycine at codon 1357 is replaced by alanine, an amino acid with similar properties. This amino acid position is conserved. In addition, in silico predictors for this gene do not accurately predict pathogenicity. Based on the available evidence, the clinical significance of this variant remains unclear.

Labcorp Genetics (formerly Invitae), Labcorp
Classification: Uncertain significance for Familial adenomatous polyposis 1. Last evaluated: 2019-03-25. Review status: criteria provided, single submitter. Criteria: Invitae Variant Classification Sherloc (09022015). Collection method: clinical testing. Allele origin: germline.
Comment: This sequence change replaces glycine with alanine at codon 1357 of the APC protein (p.Gly1357Ala). The glycine residue is highly conserved and there is a small physicochemical difference between glycine and alanine. In summary, the available evidence is currently insufficient to determine the role of this variant in disease. Therefore, it has been classified as a Variant of Uncertain Significance. Algorithms developed to predict the effect of missense changes on protein structure and function are either unavailable or do not agree on the potential impact of this missense change (SIFT: "Tolerated"; PolyPhen-2: "Probably Damaging"; Align-GVGD: "Class C0"). This variant has not been reported in the literature in individuals with APC-related conditions. This variant is not present in population databases (ExAC no frequency).

NM_000038.6(APC):c.4070G>C (p.Gly1357Ala)

Gene: APC (APC regulator of Wnt signaling pathway; plus strand). Cytogenetic location: 5q22.2.
Variant type: single nucleotide variant.
Coding change: c.4070G>C on transcript NM_000038.6 (MANE Select); coding-DNA position 4070, G replaced by C.
Protein change: p.Gly1357Ala; replaces glycine 1357 with alanine.
Molecular consequence: missense variant.
Genome position (GRCh38, 1-based): chr5:112,839,664, G>C. VCF-style: chr5-112839664-G-C. GRCh37 (hg19) VCF-style: chr5-112175361-G-C.
Other names: c.4070G>C, p.Gly1357Ala (NM_001127510.3, NM_001354895.2); c.4016G>C, p.Gly1339Ala (NM_001127511.3); c.4124G>C, p.Gly1375Ala (NM_001354896.2); c.4100G>C, p.Gly1367Ala (NM_001354897.2); c.3995G>C, p.Gly1332Ala (NM_001354898.2); c.3986G>C, p.Gly1329Ala (NM_001354899.2); c.3947G>C, p.Gly1316Ala (NM_001354900.2); c.3893G>C, p.Gly1298Ala (NM_001354901.2); and 5 more; short protein forms G1197A, G1256A, G1375A, G1266A, G1298A, G1357A, G1074A, G1231A.
Identifiers: ClinVar variation 851869 (VCV000851869.12), dbSNP rs1561589588, ClinGen allele CA16030250.